The following is an entry in ClinVar:

NM_000037.4(ANK1):c.4597_4601del (p.Ser1533fs)

Gene: ANK1 (ankyrin 1; minus strand). Cytogenetic location: 8p11.21.
Variant type: Deletion.
Coding change: c.4597_4601del on transcript NM_000037.4 (MANE Select); coding-DNA positions 4597 to 4601, 5 bases deleted (TCTCC; older notation c.4597_4601delTCTCC).
Protein change: p.Ser1533fs; shifts the reading frame from serine 1533.
Molecular consequence: frameshift variant. On other transcripts: intron variant (1).
Genome position (GRCh38, 1-based): chr8:41,672,849-41,672,853, GGAGA deleted on the plus strand (TCTCC on the coding strand, the reverse complement: ANK1 is on the minus strand); deleting any 5 consecutive bases within chr8:41,672,849-41,672,856 gives the same sequence; the c. name uses the placement nearest the transcript's 3' end. VCF-style (leftmost placement, unchanged base first): chr8-41672848-CGGAGA-C. GRCh37 (hg19) VCF-style: chr8-41530366-CGGAGA-C.
Other names: c.4720_4724del, p.Ser1574fs (NM_001142446.2); c.4597_4601del, p.Ser1533fs (NM_020475.3, NM_020476.3); c.4538-427_4538-423del (NM_020477.3); short protein forms S1533fs, S1574fs.
Identifiers: ClinVar variation 4081134 (VCV004081134.2).

ClinVar aggregate classification (germline): Pathogenic/Likely pathogenic. Review status: criteria provided, multiple submitters, no conflicts (2 of 4 stars). 2 submissions from 2 submitters: Pathogenic (1); Likely pathogenic (1). Last evaluated 2025-07-09.

Conditions:
Hereditary spherocytosis type 1. Also called: Spherocytosis type 1; ANK1-Related Spherocytosis. Identifiers: Orphanet 822, MedGen C2674218, MONDO:0008447, OMIM 182900.

Submissions (2):

Labcorp Genetics (formerly Invitae), Labcorp
Classification: Pathogenic. Last evaluated: 2025-07-09. Review status: criteria provided, single submitter. Criteria: Invitae Variant Classification Sherloc (09022015). Collection method: clinical testing. Allele origin: germline.
Comment: This sequence change creates a premature translational stop signal (p.Ser1533Alafs*9) in the ANK1 gene. It is expected to result in an absent or disrupted protein product. Loss-of-function variants in ANK1 are known to be pathogenic (PMID: 8640229). This variant is not present in population databases (gnomAD no frequency). This variant has not been reported in the literature in individuals affected with ANK1-related conditions. For these reasons, this variant has been classified as Pathogenic.

Revvity Omics, Revvity
Classification: Likely pathogenic for Hereditary spherocytosis type 1. Last evaluated: 2023-08-22. Review status: criteria provided, single submitter. Criteria: ACMG Guidelines, 2015. Collection method: clinical testing. Allele origin: germline.

Literature cited by the submitters: PubMed 8640229 (cited by Labcorp Genetics (formerly Invitae), Labcorp).